The following is an entry in ClinVar:

NM_000051.4(ATM):c.5235T>C (p.Thr1745=)

Gene: ATM (ATM serine/threonine kinase; plus strand). Cytogenetic location: 11q22.3.
Variant type: single nucleotide variant.
Coding change: c.5235T>C on transcript NM_000051.4 (MANE Select); coding-DNA position 5235, T replaced by C.
Protein change: p.Thr1745=; no amino-acid change (threonine 1745 retained).
Molecular consequence: synonymous variant.
Genome position (GRCh38, 1-based): chr11:108,301,705, T>C. VCF-style: chr11-108301705-T-C. GRCh37 (hg19) VCF-style: chr11-108172432-T-C.
Other names: c.5235T>C, p.Thr1745= (NM_001351834.2).
Identifiers: ClinVar variation 825574 (VCV000825574.10), dbSNP rs1591708727, ClinGen allele CA476674786.
Genomic context (GRCh38, chr11:108,301,705, plus strand): 5'-CAGTGTCAAAGTTCGATCAGCAGCTGTTACCTGTTTGAAAAACATTTTAGCCACAAAGAC[T>C]GGACATAGTTTCTGGGAGATTTATAAGATGACAACAGATCCAATGCTGGCCTATCTACAG-3'
Protein context (NP_000042.3, residues 1735-1755): TCLKNILATK[Thr1745=]GHSFWEIYKM

ClinVar aggregate classification (germline): Benign/Likely benign. Review status: criteria provided, multiple submitters, no conflicts (2 of 4 stars). 3 submissions from 3 submitters: Benign (1); Likely benign (2). Last evaluated 2024-05-22.

Conditions:
Familial cancer of breast. Also called: hereditary breast carcinoma; BREAST CANCER, FAMILIAL; Hereditary breast cancer. Identifiers: Orphanet 227535, MedGen C0346153, MONDO:0016419, OMIM 114480. Disease mechanism: loss of function.
Ataxia-telangiectasia syndrome (AT). Also called: ATAXIA-TELANGIECTASIA, COMPLEMENTATION GROUP A; ATAXIA-TELANGIECTASIA, FRESNO VARIANT; Ataxia-telangiectasia, complementation group E; Ataxia telangiectasia (A-T); LOUIS-BAR SYNDROME; Cerebello-oculocutaneous telangiectasia. Identifiers: Orphanet 100, MedGen C0004135, MONDO:0008840, OMIM 208900.
Hereditary cancer-predisposing syndrome. Also called: Neoplastic Syndromes, Hereditary; Hereditary Cancer Syndrome; Hereditary neoplastic syndrome; Tumor predisposition. Identifiers: Orphanet 140162, MedGen C0027672, MeSH D009386, MONDO:0015356.

Submissions (3):

Myriad Genetics, Inc.
Classification: Benign for Familial cancer of breast. Last evaluated: 2024-05-22. Review status: criteria provided, single submitter. Criteria: Myriad Autosomal Dominant, Autosomal Recessive and X-Linked Classification Criteria (2023). Collection method: clinical testing. Allele origin: unknown.
Comment: This variant is considered benign. This variant is a silent/synonymous amino acid change and it is not expected to impact splicing.

Labcorp Genetics (formerly Invitae), Labcorp
Classification: Likely benign for Ataxia-telangiectasia syndrome. Last evaluated: 2023-03-09. Review status: criteria provided, single submitter. Criteria: Invitae Variant Classification Sherloc (09022015). Collection method: clinical testing. Allele origin: germline.

Ambry Genetics
Classification: Likely benign for Hereditary cancer-predisposing syndrome. Last evaluated: 2019-11-20. Review status: criteria provided, single submitter. Criteria: Ambry Variant Classification Scheme 2023. Collection method: clinical testing. Allele origin: germline.